The following is an entry in ClinVar:

NM_033100.4(CDHR1):c.254C>T (p.Pro85Leu)

Gene: CDHR1 (cadherin related family member 1; plus strand). Cytogenetic location: 10q23.1.
Variant type: single nucleotide variant.
Coding change: c.254C>T on transcript NM_033100.4 (MANE Select); coding-DNA position 254, C replaced by T.
Protein change: p.Pro85Leu; replaces proline 85 with leucine.
Molecular consequence: missense variant.
Genome position (GRCh38, 1-based): chr10:84,196,607, C>T. VCF-style: chr10-84196607-C-T. GRCh37 (hg19) VCF-style: chr10-85956363-C-T.
Other names: c.254C>T, p.Pro85Leu (NM_001171971.3); short protein forms P85L.
Identifiers: ClinVar variation 2292155 (VCV002292155.5), dbSNP rs769092379, ClinGen allele CA5579472.
Genomic context (GRCh38, chr10:84,196,607, plus strand): 5'-ACCCCATCTCCTACCACATCAGCTTTGACCCCAGCACTAGAAGCGTCTTTTCTGTTGACC[C>T]CACTTTTGGAAACATCACCCTGGTTGAAGAGCTGGACAGAGAGGTATGGGGAGGTGTGGG-3'
Protein context (NP_149091.1, residues 75-95): PSTRSVFSVD[Pro85Leu]TFGNITLVEE

ClinVar aggregate classification (germline): Uncertain significance. Review status: criteria provided, multiple submitters, no conflicts (2 of 4 stars). 2 submissions from 2 submitters: Uncertain significance (2). Last evaluated 2023-11-13.

Conditions:
Inborn genetic diseases. Identifiers: MedGen C0950123, MeSH D030342.

Allele frequency attached by ClinVar (database versions not stated): ExAC 0.00001; gnomAD exomes 0.00001; TOPMed 0.00002.
gnomAD v4.1: 9 of 1,614,214 alleles (0.00056%); highest among the groups gnomAD compares: East Asian, 0.018%; no homozygotes.

Submissions (2):

Labcorp Genetics (formerly Invitae), Labcorp
Classification: Uncertain significance. Last evaluated: 2023-11-13. Review status: criteria provided, single submitter. Criteria: Invitae Variant Classification Sherloc (09022015). Collection method: clinical testing. Allele origin: germline.
Comment: This sequence change replaces proline, which is neutral and non-polar, with leucine, which is neutral and non-polar, at codon 85 of the CDHR1 protein (p.Pro85Leu). This variant is present in population databases (rs769092379, gnomAD 0.02%). This variant has not been reported in the literature in individuals affected with CDHR1-related conditions. ClinVar contains an entry for this variant (Variation ID: 2292155). Advanced modeling of protein sequence and biophysical properties (such as structural, functional, and spatial information, amino acid conservation, physicochemical variation, residue mobility, and thermodynamic stability) performed at Invitae indicates that this missense variant is not expected to disrupt CDHR1 protein function with a negative predictive value of 80%. In summary, the available evidence is currently insufficient to determine the role of this variant in disease. Therefore, it has been classified as a Variant of Uncertain Significance.

Ambry Genetics
Classification: Uncertain significance for Inborn genetic diseases. Last evaluated: 2022-05-27. Review status: criteria provided, single submitter. Criteria: Ambry Variant Classification Scheme 2023. Collection method: clinical testing. Allele origin: germline.